The following is an entry in ClinVar:

NM_000199.5(SGSH):c.683A>G (p.Asn228Ser)

Gene: SGSH (N-sulfoglucosamine sulfohydrolase; minus strand). Cytogenetic location: 17q25.3.
Variant type: single nucleotide variant.
Coding change: c.683A>G on transcript NM_000199.5 (MANE Select); coding-DNA position 683, A replaced by G.
Protein change: p.Asn228Ser; replaces asparagine 228 with serine.
Molecular consequence: missense variant. On other transcripts: non-coding transcript variant (1).
Genome position (GRCh38, 1-based): chr17:80,213,866, T>C on the plus strand (A>G on the coding strand, the complement: SGSH is on the minus strand). VCF-style: chr17-80213866-T-C. GRCh37 (hg19) VCF-style: chr17-78187665-T-C.
Other names: c.683A>G, p.Asn228Ser (NM_001352921.3, NM_001352922.2); short protein forms N228S.
Identifiers: ClinVar variation 1343448 (VCV001343448.4), dbSNP rs771177142, ClinGen allele CA8817842.

ClinVar aggregate classification (germline): Uncertain significance. Review status: criteria provided, multiple submitters, no conflicts (2 of 4 stars). 2 submissions from 2 submitters: Uncertain significance (2). Last evaluated 2022-11-01.

Conditions:
Mucopolysaccharidosis, MPS-III-A (MPS3A). Also called: Mucopolysaccharidosis, type IIIA; mucopolysaccharidosis type 3A; MPS IIIA (Sanfilippo Syndrome Type A); HEPARAN SULFATE SULFATASE DEFICIENCY; Mucopolysaccharidosis type IIIA (Sanfilippo A); SANFILIPPO SYNDROME A. Identifiers: Orphanet 581, Orphanet 79269, MedGen C0086647, MONDO:0009655, OMIM 252900.

Allele frequency attached by ClinVar (database versions not stated): TOPMed 0.00009; gnomAD 0.00002 and 0.00003; ExAC 0.00017.

Submissions (2):

Labcorp Genetics (formerly Invitae), Labcorp
Classification: Uncertain significance for Mucopolysaccharidosis, MPS-III-A. Last evaluated: 2022-11-01. Review status: criteria provided, single submitter. Criteria: Invitae Variant Classification Sherloc (09022015). Collection method: clinical testing. Allele origin: germline.
Comment: This sequence change replaces asparagine, which is neutral and polar, with serine, which is neutral and polar, at codon 228 of the SGSH protein (p.Asn228Ser). This variant is present in population databases (rs771177142, gnomAD 0.06%). This variant has not been reported in the literature in individuals affected with SGSH-related conditions. ClinVar contains an entry for this variant (Variation ID: 1343448). Algorithms developed to predict the effect of missense changes on protein structure and function (SIFT, PolyPhen-2, Align-GVGD) all suggest that this variant is likely to be tolerated. In summary, the available evidence is currently insufficient to determine the role of this variant in disease. Therefore, it has been classified as a Variant of Uncertain Significance.

Women's Health and Genetics/Laboratory Corporation of America, LabCorp
Classification: Uncertain significance. Last evaluated: 2022-02-18. Review status: criteria provided, single submitter. Criteria: LabCorp Variant Classification Summary - May 2015. Collection method: clinical testing. Allele origin: germline.